The following is an entry in ClinVar:

ClinVar aggregate classification (germline): Uncertain significance. Review status: criteria provided, multiple submitters, no conflicts (2 of 4 stars). 2 submissions from 2 submitters: Uncertain significance (2). Last evaluated 2025-08-04.

Conditions:
Aortic aneurysm, familial thoracic 7 (AAT7). Also called: AORTIC DISSECTION, FAMILIAL, WITH OR WITHOUT AORTIC ANEURYSM. Identifiers: MedGen C3151077, MONDO:0013418, OMIM 613780.
Familial thoracic aortic aneurysm and aortic dissection (TAAD). Also called: Thoracic aortic aneurysms and dissections. Identifiers: Orphanet 91387, MedGen C4707243, MONDO:0019625.

gnomAD v4.1: 18 of 1,614,174 alleles (0.0011%); highest among the groups gnomAD compares: Admixed American, 0.0033%; no homozygotes.

Submissions (2):

Labcorp Genetics (formerly Invitae), Labcorp
Classification: Uncertain significance for Aortic aneurysm, familial thoracic 7. Last evaluated: 2025-08-04. Review status: criteria provided, single submitter. Criteria: Invitae Variant Classification Sherloc (09022015). Collection method: clinical testing. Allele origin: germline.
Comment: This sequence change replaces glycine, which is neutral and non-polar, with aspartic acid, which is acidic and polar, at codon 77 of the MYLK protein (p.Gly77Asp). This variant is not present in population databases (gnomAD no frequency). This variant has not been reported in the literature in individuals affected with MYLK-related conditions. ClinVar contains an entry for this variant (Variation ID: 2452958). Invitae Evidence Modeling of protein sequence and biophysical properties (such as structural, functional, and spatial information, amino acid conservation, physicochemical variation, residue mobility, and thermodynamic stability) indicates that this missense variant is not expected to disrupt MYLK protein function with a negative predictive value of 95%. In summary, the available evidence is currently insufficient to determine the role of this variant in disease. Therefore, it has been classified as a Variant of Uncertain Significance.

Ambry Genetics
Classification: Uncertain significance for Familial thoracic aortic aneurysm and aortic dissection. Last evaluated: 2025-05-02. Review status: criteria provided, single submitter. Criteria: Ambry Variant Classification Scheme 2023. Collection method: clinical testing. Allele origin: germline.
Comment: The p.G77D variant (also known as c.230G>A), located in coding exon 2 of the MYLK gene, results from a G to A substitution at nucleotide position 230. The glycine at codon 77 is replaced by aspartic acid, an amino acid with similar properties. This amino acid position is conserved. In addition, this alteration is predicted to be tolerated by in silico analysis. Since supporting evidence is limited at this time, the clinical significance of this alteration remains unclear.

NM_053025.4(MYLK):c.230G>A (p.Gly77Asp)

Gene: MYLK (myosin light chain kinase; minus strand). Cytogenetic location: 3q21.1.
Variant type: single nucleotide variant.
Coding change: c.230G>A on transcript NM_053025.4 (MANE Select); coding-DNA position 230, G replaced by A.
Protein change: p.Gly77Asp; replaces glycine 77 with aspartic acid.
Molecular consequence: missense variant. On other transcripts: intron variant (1).
Genome position (GRCh38, 1-based): chr3:123,752,474, C>T on the plus strand (G>A on the coding strand, the complement: MYLK is on the minus strand). VCF-style: chr3-123752474-C-T. GRCh37 (hg19) VCF-style: chr3-123471321-C-T.
Other names: c.230G>A, p.Gly77Asp (NM_053026.4, NM_053027.4, NM_053028.4); c.-155-12473G>A (NM_001321309.2); short protein forms G77D.
Identifiers: ClinVar variation 2452958 (VCV002452958.4), dbSNP rs780448822, ClinGen allele CA82953125.